The following is an entry in ClinVar:

NM_018026.4(PACS1):c.2798G>A (p.Trp933Ter)

Gene: PACS1 (phosphofurin acidic cluster sorting protein 1; plus strand). Cytogenetic location: 11q13.2.
Variant type: single nucleotide variant.
Coding change: c.2798G>A on transcript NM_018026.4 (MANE Select); coding-DNA position 2798, G replaced by A.
Protein change: p.Trp933Ter; replaces tryptophan 933 with a stop codon.
Molecular consequence: nonsense.
Genome position (GRCh38, 1-based): chr11:66,243,186, G>A. VCF-style: chr11-66243186-G-A. GRCh37 (hg19) VCF-style: chr11-66010657-G-A.
Other names: short protein forms W933*.
Identifiers: ClinVar variation 3776496 (VCV003776496.1).

ClinVar aggregate classification (germline): Uncertain significance (1 of 4 stars; one submission).

Submission:

GeneDx
Classification: Uncertain significance. Last evaluated: 2024-09-28. Review status: criteria provided, single submitter. Criteria: GeneDx Variant Classification Process June 2021. Collection method: clinical testing. Allele origin: germline. Affected: yes.
Comment: Nonsense variant predicted to result in protein truncation as the last 31 amino acid(s) are lost; Not observed at significant frequency in large population cohorts (gnomAD); Has not been previously published as pathogenic or benign to our knowledge